The following is an entry in ClinVar:

NM_004204.5(PIGQ):c.1253C>G (p.Ser418Cys)

Gene: PIGQ (phosphatidylinositol glycan anchor biosynthesis class Q; plus strand). Cytogenetic location: 16p13.3.
Variant type: single nucleotide variant.
Coding change: c.1253C>G on transcript NM_004204.5 (MANE Select); coding-DNA position 1253, C replaced by G.
Protein change: p.Ser418Cys; replaces serine 418 with cysteine.
Molecular consequence: missense variant.
Genome position (GRCh38, 1-based): chr16:579,098, C>G. VCF-style: chr16-579098-C-G. GRCh37 (hg19) VCF-style: chr16-629098-C-G.
Other names: c.1253C>G, p.Ser418Cys (NM_148920.4); short protein forms S418C.
Identifiers: ClinVar variation 456029 (VCV000456029.13), dbSNP rs144619714, ClinGen allele CA7780203.

ClinVar aggregate classification (germline): Likely benign. Review status: criteria provided, multiple submitters, no conflicts (2 of 4 stars). 2 submissions from 2 submitters: Likely benign (2). Last evaluated 2026-06-05.

Conditions:
Epilepsy. Also called: Seizure disorder. Identifiers: MedGen C0014544, MeSH D004827, MONDO:0005027.
PIGQ-related disorder. Also called: PIGQ-related condition.

Allele frequency attached by ClinVar (database versions not stated): gnomAD exomes 0.00020; ExAC 0.00031; gnomAD 0.00080 and 0.00086; ESP Exome Variant Server 0.00092; 1000 Genomes Project 0.00140; TOPMed 0.00095; 1000 Genomes Project 30x 0.00125.
gnomAD v4.1: 209 of 1,612,864 alleles (0.013%); highest among the groups gnomAD compares: African/African-American, 0.26%; no homozygotes.

Submissions (2):

PreventionGenetics, part of Exact Sciences
Classification: Likely benign for PIGQ-related condition. Last evaluated: 2026-06-05. Review status: criteria provided, single submitter. Criteria: ACMG Guidelines, 2015. Collection method: clinical testing. Allele origin: germline.
Comment: This variant is classified as likely benign based on ACMG/AMP sequence variant interpretation guidelines (Richards et al. 2015 PMID: 25741868, with internal and published modifications).

Labcorp Genetics (formerly Invitae), Labcorp
Classification: Likely benign for Epilepsy. Last evaluated: 2026-01-13. Review status: criteria provided, single submitter. Criteria: Invitae Variant Classification Sherloc (09022015). Collection method: clinical testing. Allele origin: germline.